The following is an entry in ClinVar:

ClinVar aggregate classification (germline): Uncertain significance (1 of 4 stars; one submission).

Allele frequency attached by ClinVar (database versions not stated): gnomAD 0.00001; TOPMed 0.00001.

Submission:

Labcorp Genetics (formerly Invitae), Labcorp
Classification: Uncertain significance. Last evaluated: 2022-06-16. Review status: criteria provided, single submitter. Criteria: Invitae Variant Classification Sherloc (09022015). Collection method: clinical testing. Allele origin: germline.
Comment: Algorithms developed to predict the effect of missense changes on protein structure and function (SIFT, PolyPhen-2, Align-GVGD) all suggest that this variant is likely to be disruptive. In summary, the available evidence is currently insufficient to determine the role of this variant in disease. Therefore, it has been classified as a Variant of Uncertain Significance. This variant has not been reported in the literature in individuals affected with PMP2-related conditions. This variant is not present in population databases (gnomAD no frequency). This sequence change replaces aspartic acid, which is acidic and polar, with glutamic acid, which is acidic and polar, at codon 77 of the PMP2 protein (p.Asp77Glu).

NM_002677.5(PMP2):c.231C>A (p.Asp77Glu)

Gene: PMP2 (peripheral myelin protein 2; minus strand). Cytogenetic location: 8q21.13.
Variant type: single nucleotide variant.
Coding change: c.231C>A on transcript NM_002677.5 (MANE Select); coding-DNA position 231, C replaced by A.
Protein change: p.Asp77Glu; replaces aspartic acid 77 with glutamic acid.
Molecular consequence: missense variant. On other transcripts: intron variant (1).
Genome position (GRCh38, 1-based): chr8:81,444,832, G>T on the plus strand (C>A on the coding strand, the complement: PMP2 is on the minus strand). VCF-style: chr8-81444832-G-T. GRCh37 (hg19) VCF-style: chr8-82357067-G-T.
Other names: c.74-231C>A (NM_001348381.2); short protein forms D77E.
Identifiers: ClinVar variation 1998457 (VCV001998457.4), dbSNP rs1692045061, ClinGen allele CA371517724.
Genomic context (GRCh38, chr8:81,444,832, plus strand): 5'-AAGCAGCCCACTGGGCCAACTTTGAAGAGAAACATTAAAGATTACCTTGGTCTTTCTATT[G>T]TCAGCTGTGGTTTCTTCAAATTCCTGGCCTAGCTTGAAGGAGATTTCTGTATTTTTAAAG-3'
Protein context (NP_002668.1, residues 67-87): LGQEFEETTA[Asp77Glu]NRKTKSIVTL